The following is an entry in ClinVar:

NM_001099922.3(ALG13):c.2401+12C>A

Gene: ALG13 (ALG13 UDP-N-acetylglucosaminyltransferase subunit; plus strand). Cytogenetic location: Xq23.
Variant type: single nucleotide variant.
Coding change: c.2401+12C>A on transcript NM_001099922.3 (MANE Select); 12 bases into the intron after coding-DNA position 2401, C replaced by A.
Molecular consequence: intron variant.
Genome position (GRCh38, 1-based): chrX:111,730,439, C>A. VCF-style: chrX-111730439-C-A. GRCh37 (hg19) VCF-style: chrX-110973667-C-A.
Other names: c.2089+12C>A (NM_001257237.2, NM_001257234.2, NM_001257230.2); c.1915+12C>A (NM_001324293.1); c.2167+12C>A (NM_001257231.2); c.2401+12C>A (NM_001324292.2).
Identifiers: ClinVar variation 382105 (VCV000382105.12), dbSNP rs150294098, ClinGen allele CA10493880.

ClinVar aggregate classification (germline): Benign/Likely benign. Review status: criteria provided, multiple submitters, no conflicts (2 of 4 stars). 5 submissions from 5 submitters: Benign (4); Likely benign (1). Last evaluated 2026-01-28.

Conditions:
Developmental and epileptic encephalopathy, 36 (DEE36). Also called: Congenital disorder of glycosylation, type Is; Epileptic encephalopathy, early infantile, 36; ALG13-CDG. Identifiers: Orphanet 324422, MedGen C4317295, MONDO:0010472, OMIM 300884.

Allele frequency attached by ClinVar (database versions not stated): gnomAD exomes 0.00076 and 0.00189; ExAC 0.00279; 1000 Genomes Project 0.00530; 1000 Genomes Project 30x 0.00687; gnomAD 0.00704 and 0.00767; ESP Exome Variant Server 0.00788; TOPMed 0.00847.
gnomAD v4.1: 1,648 of 1,203,679 alleles (0.14%); highest among the groups gnomAD compares: African/African-American, 2.5%; 12 homozygotes.

Submissions (5):

Labcorp Genetics (formerly Invitae), Labcorp
Classification: Benign for Developmental and epileptic encephalopathy, 36. Last evaluated: 2026-01-28. Review status: criteria provided, single submitter. Criteria: Invitae Variant Classification Sherloc (09022015). Collection method: clinical testing. Allele origin: germline.

Blueprint Genetics
Classification: Likely benign. Last evaluated: 2024-11-14. Review status: criteria provided, single submitter. Criteria: ACMG Guidelines, 2015. Collection method: clinical testing. Allele origin: germline.

ARUP Laboratories, Molecular Genetics and Genomics, ARUP Laboratories
Classification: Benign for Developmental and epileptic encephalopathy, 36. Last evaluated: 2024-09-17. Review status: criteria provided, single submitter. Criteria: ARUP Molecular Germline Variant Investigation Process 2024. Collection method: clinical testing. Allele origin: germline.

Genome-Nilou Lab
Classification: Benign for Developmental and epileptic encephalopathy, 36. Last evaluated: 2021-12-05. Review status: criteria provided, single submitter. Criteria: ACMG Guidelines, 2015. Collection method: clinical testing. Allele origin: germline. Affected: no.

GeneDx
Classification: Benign. Last evaluated: 2016-02-08. Review status: criteria provided, single submitter. Criteria: GeneDx Variant Classification (06012015). Collection method: clinical testing. Allele origin: germline. Affected: yes.
Comment: This variant is considered likely benign or benign based on one or more of the following criteria: it is a conservative change, it occurs at a poorly conserved position in the protein, it is predicted to be benign by multiple in silico algorithms, and/or has population frequency not consistent with disease.